The following is an entry in ClinVar:

NM_000426.4(LAMA2):c.8586T>C (p.Tyr2862=)

Gene: LAMA2 (laminin subunit alpha 2; plus strand). Cytogenetic location: 6q22.33.
Variant type: single nucleotide variant.
Coding change: c.8586T>C on transcript NM_000426.4 (MANE Select); coding-DNA position 8586, T replaced by C.
Protein change: p.Tyr2862=; no amino-acid change (tyrosine 2862 retained).
Molecular consequence: synonymous variant.
Genome position (GRCh38, 1-based): chr6:129,505,238, T>C. VCF-style: chr6-129505238-T-C. GRCh37 (hg19) VCF-style: chr6-129826383-T-C.
Other names: c.8574T>C, p.Tyr2858= (NM_001079823.2).
Identifiers: ClinVar variation 256090 (VCV000256090.44), dbSNP rs142451929, ClinGen allele CA3994870.

ClinVar aggregate classification (germline): Conflicting classifications of pathogenicity. Review status: criteria provided, conflicting classifications (1 of 4 stars). 7 submissions from 7 submitters: Uncertain significance (1); Benign (1); Likely benign (5). Last evaluated 2026-02-02.

Conditions:
LAMA2-related muscular dystrophy (LAMA2-RD). Also called: Laminin alpha 2-related dystrophy. Identifiers: MedGen C5679788, MONDO:0100228.
Congenital muscular dystrophy due to partial LAMA2 deficiency. Identifiers: MedGen C1842898.

Allele frequency attached by ClinVar (database versions not stated): ESP Exome Variant Server 0.00038; TOPMed 0.00058; ExAC 0.00069; gnomAD exomes 0.00070 and 0.00074; gnomAD 0.00074; 1000 Genomes Project 30x 0.00078; 1000 Genomes Project 0.00080.
gnomAD v4.1: 1,149 of 1,613,948 alleles (0.071%); highest among the groups gnomAD compares: Middle Eastern, 0.16%; 3 homozygotes.

Submissions (7):

Labcorp Genetics (formerly Invitae), Labcorp
Classification: Likely benign for LAMA2-related muscular dystrophy. Last evaluated: 2026-02-02. Review status: criteria provided, single submitter. Criteria: Invitae Variant Classification Sherloc (09022015). Collection method: clinical testing. Allele origin: germline.

Athena Diagnostics
Classification: Benign. Last evaluated: 2025-08-29. Review status: criteria provided, single submitter. Criteria: Athena Diagnostics Criteria. Collection method: clinical testing. Allele origin: unknown.
Comment: The frequency of this variant in the general population is higher than would generally be expected for pathogenic variants in this gene. Computational tools yielded predictions that this variant is unlikely to have an effect on normal RNA splicing. This nucleotide position exhibits low evolutionary conservation. This variant has been seen where an alternate explanation for disease was also identified.

Blueprint Genetics
Classification: Likely benign. Last evaluated: 2024-11-08. Review status: criteria provided, single submitter. Criteria: ACMG Guidelines, 2015. Collection method: clinical testing. Allele origin: germline.

CeGaT Center for Human Genetics Tuebingen
Classification: Likely benign. Last evaluated: 2024-05-01. Review status: criteria provided, single submitter. Criteria: CeGaT Center For Human Genetics Tuebingen Variant Classification Criteria Version 2. Collection method: clinical testing. Allele origin: germline. Affected: yes. Observed: 3 variant alleles.
Comment: LAMA2: BP4, BP7

GeneDx
Classification: Likely benign. Last evaluated: 2021-04-19. Review status: criteria provided, single submitter. Criteria: GeneDx Variant Classification Process June 2021. Collection method: clinical testing. Allele origin: germline. Affected: yes.
Comment: This variant is associated with the following publications: (PMID: 12552556)

Illumina Laboratory Services, Illumina
Classification: Uncertain significance for Congenital muscular dystrophy due to partial LAMA2 deficiency. Last evaluated: 2018-01-13. Review status: criteria provided, single submitter. Criteria: ICSL Variant Classification Criteria 13 December 2019. Collection method: clinical testing. Allele origin: germline.

PreventionGenetics, part of Exact Sciences
Classification: Likely benign. Review status: criteria provided, single submitter. Criteria: ACMG Guidelines, 2015. Collection method: clinical testing. Allele origin: germline.

Literature cited by the submitters: PubMed 12552556 (cited by Athena Diagnostics).